The following is an entry in ClinVar:

NM_000133.4(F9):c.1120G>C (p.Val374Leu)

Gene: F9 (coagulation factor IX; plus strand). Cytogenetic location: Xq27.1.
Variant type: single nucleotide variant.
Coding change: c.1120G>C on transcript NM_000133.4 (MANE Select); coding-DNA position 1120, G replaced by C.
Protein change: p.Val374Leu; replaces valine 374 with leucine.
Molecular consequence: missense variant.
Genome position (GRCh38, 1-based): chrX:139,561,805, G>C. VCF-style: chrX-139561805-G-C. GRCh37 (hg19) VCF-style: chrX-138643964-G-C.
Other names: c.1006G>C, p.Val336Leu (NM_001313913.2); short protein forms V336L, V374L.
Identifiers: ClinVar variation 3902752 (VCV003902752.1).

ClinVar aggregate classification (germline): Uncertain significance (1 of 4 stars; one submission).

Submission:

Women's Health and Genetics/Laboratory Corporation of America, LabCorp
Classification: Uncertain significance. Last evaluated: 2025-05-22. Review status: criteria provided, single submitter. Criteria: LabCorp Variant Classification Summary - May 2015. Collection method: clinical testing. Allele origin: germline.
Comment: Variant summary: F9 c.1120G>C (p.Val374Leu) results in a conservative amino acid change in the encoded protein sequence. Algorithms developed to predict the effect of missense changes on protein structure and function are either unavailable or do not agree on the potential impact of this missense change. The variant was absent in 183185 control chromosomes. The available data on variant occurrences in the general population are insufficient to allow any conclusion about variant significance. To our knowledge, no occurrence of c.1120G>C in individuals affected with Factor IX Deficiency (Hemophilia B) and no experimental evidence demonstrating its impact on protein function have been reported. No submitters have cited clinical-significance assessments for this variant to ClinVar. Based on the evidence outlined above, the variant was classified as uncertain significance.